The following is an entry in ClinVar:

NM_001195263.2(PDZD7):c.2133del (p.His711fs)

Gene: PDZD7 (PDZ domain containing 7; minus strand). Cytogenetic location: 10q24.31.
Variant type: Deletion.
Coding change: c.2133del on transcript NM_001195263.2 (MANE Select); coding-DNA position 2133, one base deleted (T; older notation c.2133delT).
Protein change: p.His711fs; shifts the reading frame from histidine 711.
Molecular consequence: frameshift variant.
Genome position (GRCh38, 1-based): chr10:101,010,756, A deleted on the plus strand (T on the coding strand, the reverse complement: PDZD7 is on the minus strand). VCF-style (leftmost placement, unchanged base first): chr10-101010755-TA-T. GRCh37 (hg19) VCF-style: chr10-102770512-TA-T.
Other names: short protein forms H711fs.
Identifiers: ClinVar variation 2096025 (VCV002096025.4), dbSNP rs1461335018, ClinGen allele CA595494281.

ClinVar aggregate classification (germline): Pathogenic (1 of 4 stars; one submission).

Submission:

Labcorp Genetics (formerly Invitae), Labcorp
Classification: Pathogenic. Last evaluated: 2022-08-31. Review status: criteria provided, single submitter. Criteria: Invitae Variant Classification Sherloc (09022015). Collection method: clinical testing. Allele origin: germline.
Comment: For these reasons, this variant has been classified as Pathogenic. This variant has not been reported in the literature in individuals affected with PDZD7-related conditions. This variant is present in population databases (no rsID available, gnomAD 0.002%). This sequence change creates a premature translational stop signal (p.His711Glnfs*12) in the PDZD7 gene. It is expected to result in an absent or disrupted protein product. Loss-of-function variants in PDZD7 are known to be pathogenic (PMID: 20440071).

Literature cited by the submitters: PubMed 20440071.